The following is an entry in ClinVar:

ClinVar aggregate classification (germline): Pathogenic/Likely pathogenic. Review status: criteria provided, multiple submitters, no conflicts (2 of 4 stars). 5 submissions from 5 submitters: Pathogenic (3); Likely pathogenic (2). Last evaluated 2026-02-06.

Conditions:
Hereditary cancer-predisposing syndrome. Also called: Neoplastic Syndromes, Hereditary; Hereditary neoplastic syndrome; Tumor predisposition; Hereditary Cancer Syndrome. Identifiers: Orphanet 140162, MedGen C0027672, MeSH D009386, MONDO:0015356.
Hereditary breast ovarian cancer syndrome. Also called: Hereditary breast and/or ovarian cancer syndrome; Breast and ovarian cancer; Hereditary breast and ovarian cancer; Hereditary breast and ovarian cancer syndrome (HBOC); Hereditary breast and ovarian cancer syndrome; BRCA1- and BRCA2-Associated Hereditary Breast and Ovarian Cancer. Identifiers: Orphanet 145, MedGen C0677776, MeSH D061325, MONDO:0003582. Disease mechanism: loss of function.
Familial cancer of breast. Also called: Hereditary breast cancer; BREAST CANCER, FAMILIAL; hereditary breast carcinoma. Identifiers: Orphanet 227535, MedGen C0346153, MONDO:0016419, OMIM 114480. Disease mechanism: loss of function.

Submissions (5):

Ambry Genetics
Classification: Pathogenic for Hereditary cancer-predisposing syndrome. Last evaluated: 2026-02-06. Review status: criteria provided, single submitter. Criteria: Ambry Variant Classification Scheme 2023. Collection method: clinical testing. Allele origin: germline.
Comment: The p.G2078* pathogenic mutation (also known as c.6232G>T), located in coding exon 10 of the BRCA2 gene, results from a G to T substitution at nucleotide position 6232. This changes the amino acid from a glycine to a stop codon within coding exon 10. This variant is considered to be rare based on population cohorts in the Genome Aggregation Database (gnomAD). This alteration is expected to result in loss of function by premature protein truncation or nonsense-mediated mRNA decay. As such, this alteration is interpreted as a disease-causing mutation.

Labcorp Genetics (formerly Invitae), Labcorp
Classification: Pathogenic for Hereditary breast ovarian cancer syndrome. Last evaluated: 2026-01-26. Review status: criteria provided, single submitter. Criteria: Invitae Variant Classification Sherloc (09022015). Collection method: clinical testing. Allele origin: germline.
Comment: This sequence change creates a premature translational stop signal (p.Gly2078*) in the BRCA2 gene. It is expected to result in an absent or disrupted protein product. Loss-of-function variants in BRCA2 are known to be pathogenic (PMID: 20104584). This variant is not present in population databases (gnomAD no frequency). This variant has not been reported in the literature in individuals affected with BRCA2-related conditions. ClinVar contains an entry for this variant (Variation ID: 639036). For these reasons, this variant has been classified as Pathogenic.

Quest Diagnostics Nichols Institute San Juan Capistrano
Classification: Likely pathogenic. Last evaluated: 2025-06-13. Review status: criteria provided, single submitter. Criteria: Quest Diagnostics criteria. Collection method: clinical testing. Allele origin: unknown.
Comment: The BRCA2 c.6232G>T (p.Gly2078*) variant is predicted to cause the premature termination of BRCA2 protein synthesis. This variant has not been reported in individuals with BRCA2-related conditions in the published literature. This variant has not been reported in large, multi-ethnic general populations (Genome Aggregation Database). Based on the available information, this variant is classified as likely pathogenic.

Molecular Diagnostics Laboratory, Catalan Institute of Oncology
Classification: Pathogenic for Hereditary cancer-predisposing syndrome. Last evaluated: 2024-09-24. Review status: criteria provided, single submitter. Criteria: ClinGen BRCA1BRCA2 ACMG Specifications BRCA2 V1.0.0. Collection method: clinical testing. Allele origin: germline.
Comment: PVS1, PM2_Supporting, PM5_PTC_Strong c.6232G>T, located in exon 11 of the BRCA2 gene, is a nonsense variant expected to result in loss of function by premature protein truncation and nonsense-mediated mRNA decay, p.(Gly2078*) (PVS1, PM5_PTC_Strong). It is not present in the population database gnomAD v2.1.1, non cancer dataset (PM2_supporting). No effect is predicted on splicing by SpliceAI. To our knowledge, neither relevant clinical data nor well-stablished functional studies have been reported for this variant. This variant has been reported in the ClinVar database (1x pathogenic, 1x likely pathogenic), and in BRCA Exchange database as not yet reviewed, but it has not been reported in LOVD database. Based on currently available information, the variant c.6232G>T should be considered a pathogenic variant.

Baylor Genetics
Classification: Likely pathogenic for Familial cancer of breast. Last evaluated: 2023-12-11. Review status: criteria provided, single submitter. Criteria: ACMG Guidelines, 2015. Collection method: clinical testing. Allele origin: unknown.

Literature cited by the submitters: PubMed 20104584 (cited by Labcorp Genetics (formerly Invitae), Labcorp).

NM_000059.4(BRCA2):c.6232G>T (p.Gly2078Ter)

Gene: BRCA2 (BRCA2 DNA repair associated; plus strand). Cytogenetic location: 13q13.1.
Variant type: single nucleotide variant.
Coding change: c.6232G>T on transcript NM_000059.4 (MANE Select); coding-DNA position 6232, G replaced by T.
Protein change: p.Gly2078Ter; replaces glycine 2078 with a stop codon.
Molecular consequence: nonsense.
Genome position (GRCh38, 1-based): chr13:32,340,587, G>T. VCF-style: chr13-32340587-G-T. GRCh37 (hg19) VCF-style: chr13-32914724-G-T.
Other names: short protein forms G2078*.
Identifiers: ClinVar variation 639036 (VCV000639036.14), dbSNP rs1555284605, ClinGen allele CA387788894.